The following is an entry in ClinVar:

ClinVar aggregate classification (germline): Benign/Likely benign. Review status: criteria provided, multiple submitters, no conflicts (2 of 4 stars). 4 submissions from 4 submitters: Benign (3); Likely benign (1). Last evaluated 2026-08-01.

Allele frequency attached by ClinVar (database versions not stated): gnomAD exomes 0.00295; ExAC 0.00354; gnomAD 0.01138 and 0.01223; ESP Exome Variant Server 0.01245; TOPMed 0.01288; 1000 Genomes Project 0.01358; 1000 Genomes Project 30x 0.01593.
gnomAD v4.1: 3,443 of 1,613,742 alleles (0.21%); highest among the groups gnomAD compares: African/African-American, 3.9%; 46 homozygotes.

Submissions (4):

CeGaT Center for Human Genetics Tuebingen
Classification: Benign. Last evaluated: 2026-08-01. Review status: criteria provided, single submitter. Criteria: CeGaT Center For Human Genetics Tuebingen Variant Classification Criteria Version 2. Collection method: clinical testing. Allele origin: germline. Affected: yes. Observed: 2 variant alleles.
Comment: ACAN: BP4, BS1, BS2

Women's Health and Genetics/Laboratory Corporation of America, LabCorp
Classification: Likely benign. Last evaluated: 2026-05-11. Review status: criteria provided, single submitter. Criteria: LabCorp Variant Classification Summary - May 2015. Collection method: clinical testing. Allele origin: germline.

Labcorp Genetics (formerly Invitae), Labcorp
Classification: Benign. Last evaluated: 2026-01-28. Review status: criteria provided, single submitter. Criteria: Invitae Variant Classification Sherloc (09022015). Collection method: clinical testing. Allele origin: germline.

Breakthrough Genomics
Classification: Benign. Review status: criteria provided, single submitter. Criteria: ACMG Guidelines, 2015. Collection method: not provided. Allele origin: germline. Inheritance: Autosomal recessive inheritance. Affected: yes.

NM_001369268.1(ACAN):c.2003G>A (p.Arg668Gln)

Gene: ACAN (aggrecan; plus strand). Cytogenetic location: 15q26.1.
Variant type: single nucleotide variant.
Coding change: c.2003G>A on transcript NM_001369268.1 (MANE Select); coding-DNA position 2003, G replaced by A.
Protein change: p.Arg668Gln; replaces arginine 668 with glutamine.
Molecular consequence: missense variant.
Genome position (GRCh38, 1-based): chr15:88,849,708, G>A. VCF-style: chr15-88849708-G-A. GRCh37 (hg19) VCF-style: chr15-89392939-G-A.
Other names: c.2003G>A, p.Arg668Gln (NM_001135.4, NM_013227.4); short protein forms R668Q.
Identifiers: ClinVar variation 710074 (VCV000710074.16), dbSNP rs77572130, ClinGen allele CA7719754.